The following is an entry in ClinVar:

ClinVar aggregate classification (germline): Uncertain significance (1 of 4 stars; one submission).

Allele frequency attached by ClinVar (database versions not stated): TOPMed 0.00002.
gnomAD v4.1: 4 of 1,570,520 alleles (0.00025%); highest among the groups gnomAD compares: Admixed American, 0.0075%; no homozygotes.

Submission:

Labcorp Genetics (formerly Invitae), Labcorp
Classification: Uncertain significance. Last evaluated: 2022-07-04. Review status: criteria provided, single submitter. Criteria: Invitae Variant Classification Sherloc (09022015). Collection method: clinical testing. Allele origin: germline.
Comment: This sequence change replaces proline, which is neutral and non-polar, with histidine, which is basic and polar, at codon 2160 of the CACNA1B protein (p.Pro2160His). The frequency data for this variant in the population databases is considered unreliable, as metrics indicate poor data quality at this position in the gnomAD database. This variant has not been reported in the literature in individuals affected with CACNA1B-related conditions. Advanced modeling of protein sequence and biophysical properties (such as structural, functional, and spatial information, amino acid conservation, physicochemical variation, residue mobility, and thermodynamic stability) performed at Invitae indicates that this missense variant is not expected to disrupt CACNA1B protein function. In summary, the available evidence is currently insufficient to determine the role of this variant in disease. Therefore, it has been classified as a Variant of Uncertain Significance.

NM_000718.4(CACNA1B):c.6479C>A (p.Pro2160His)

Gene: CACNA1B (calcium voltage-gated channel subunit alpha1 B; plus strand). Cytogenetic location: 9q34.3.
Variant type: single nucleotide variant.
Coding change: c.6479C>A on transcript NM_000718.4 (MANE Select); coding-DNA position 6479, C replaced by A.
Protein change: p.Pro2160His; replaces proline 2160 with histidine.
Molecular consequence: missense variant.
Genome position (GRCh38, 1-based): chr9:138,120,871, C>A. VCF-style: chr9-138120871-C-A. GRCh37 (hg19) VCF-style: chr9-141015323-C-A.
Other names: c.6479C>A, p.Pro2160His (NM_001243812.2); short protein forms P2160H.
Identifiers: ClinVar variation 2188651 (VCV002188651.1), dbSNP rs868828462, ClinGen allele CA201873173.